The following is an entry in ClinVar:

ClinVar aggregate classification (germline): Uncertain significance (1 of 4 stars; one submission).

Conditions:
Intellectual developmental disorder, autosomal dominant 39. Also called: Intellectual disability, autosomal dominant 39; Mental retardation, autosomal dominant 39. Identifiers: MedGen C4225296, MONDO:0014678, OMIM 616521.

gnomAD v4.1: 1 of 1,551,100 alleles (0.000064%); highest among the groups gnomAD compares: Non-Finnish European, 0.000087%; no homozygotes.

Submission:

Centre for Mendelian Genomics, University Medical Centre Ljubljana
Classification: Uncertain significance for Intellectual developmental disorder, autosomal dominant 39. Last evaluated: 2020-01-30. Review status: criteria provided, single submitter. Criteria: ACMG Guidelines, 2015. Collection method: clinical testing. Allele origin: unknown. Affected: yes.
Comment: This variant was classified as: Uncertain significance. The available evidence on this variant's pathogenicity is insufficient or conflicting. The following ACMG criteria were applied in classifying this variant: PM2,PP2,BP4.

NM_001303052.2(MYT1L):c.2818G>A (p.Ala940Thr)

Gene: MYT1L (myelin transcription factor 1 like; minus strand). Cytogenetic location: 2p25.3.
Variant type: single nucleotide variant.
Coding change: c.2818G>A on transcript NM_001303052.2 (MANE Select); coding-DNA position 2818, G replaced by A.
Protein change: p.Ala940Thr; replaces alanine 940 with threonine.
Molecular consequence: missense variant.
Genome position (GRCh38, 1-based): chr2:1,840,800, C>T on the plus strand (G>A on the coding strand, the complement: MYT1L is on the minus strand). VCF-style: chr2-1840800-C-T. GRCh37 (hg19) VCF-style: chr2-1844572-C-T.
Other names: c.2818G>A, p.Ala940Thr (NM_001329845.1, NM_001329851.3, NM_001329844.2); c.2812G>A, p.Ala938Thr (NM_001329846.3, NM_001329847.2, NM_001329848.1 and 3 more transcripts); short protein forms A940T, A938T.
Identifiers: ClinVar variation 930249 (VCV000930249.3), dbSNP rs1428977723, ClinGen allele CA345700379.